The following is an entry in ClinVar:

NM_000548.5(TSC2):c.4365C>T (p.Gly1455=)

Gene: TSC2 (TSC complex subunit 2; plus strand). Cytogenetic location: 16p13.3.
Variant type: single nucleotide variant.
Coding change: c.4365C>T on transcript NM_000548.5 (MANE Select); coding-DNA position 4365, C replaced by T.
Protein change: p.Gly1455=; no amino-acid change (glycine 1455 retained).
Molecular consequence: synonymous variant.
Genome position (GRCh38, 1-based): chr16:2,084,587, C>T. VCF-style: chr16-2084587-C-T. GRCh37 (hg19) VCF-style: chr16-2134588-C-T.
Other names: c.4365C>T (NM_000548.3); c.4164C>T, p.Gly1388= (NM_001077183.3); c.4296C>T, p.Gly1432= (NM_001114382.3); c.4056C>T, p.Gly1352= (NM_001318827.2); c.4020C>T, p.Gly1340= (NM_001318829.2); c.3633C>T, p.Gly1211= (NM_001318831.2); c.4197C>T, p.Gly1399= (NM_001318832.2); c.4167C>T, p.Gly1389= (NM_001363528.2); and 2 more.
Identifiers: ClinVar variation 1087239 (VCV001087239.48), dbSNP rs2090527409, ClinGen allele CA493043488.

ClinVar aggregate classification (germline): Benign/Likely benign. Review status: criteria provided, multiple submitters, no conflicts (2 of 4 stars). 7 submissions from 7 submitters: Benign (2); Likely benign (5). Last evaluated 2025-12-22.

Conditions:
Tuberous sclerosis 2 (TSC2). Identifiers: Orphanet 805, MedGen C1860707, MONDO:0013199, OMIM 613254.
Tuberous sclerosis syndrome (TSC). Also called: Tuberous sclerosis; Tuberous Sclerosis Complex. Identifiers: Orphanet 805, MedGen C0041341, MONDO:0001734.
Hereditary cancer-predisposing syndrome. Also called: Neoplastic Syndromes, Hereditary; Tumor predisposition; Hereditary neoplastic syndrome; Hereditary Cancer Syndrome. Identifiers: Orphanet 140162, MedGen C0027672, MeSH D009386, MONDO:0015356.

Allele frequency attached by ClinVar (database versions not stated): TOPMed below 0.00001.

Submissions (7):

Labcorp Genetics (formerly Invitae), Labcorp
Classification: Likely benign for Tuberous sclerosis 2. Last evaluated: 2025-12-22. Review status: criteria provided, single submitter. Criteria: Invitae Variant Classification Sherloc (09022015). Collection method: clinical testing. Allele origin: germline.

Myriad Genetics, Inc.
Classification: Benign for Tuberous sclerosis 2. Last evaluated: 2025-06-03. Review status: criteria provided, single submitter. Criteria: Myriad Autosomal Dominant, Autosomal Recessive and X-Linked Classification Criteria (2023). Collection method: clinical testing. Allele origin: unknown.
Comment: This variant is considered benign. This variant is a silent/synonymous amino acid change and it is not expected to impact splicing.

Blueprint Genetics
Classification: Likely benign. Last evaluated: 2024-05-16. Review status: criteria provided, single submitter. Criteria: ACMG Guidelines, 2015. Collection method: clinical testing. Allele origin: germline.

Color Diagnostics, LLC DBA Color Health
Classification: Likely benign for Tuberous sclerosis syndrome. Last evaluated: 2022-10-07. Review status: criteria provided, single submitter. Criteria: ACMG Guidelines, 2015. Collection method: clinical testing. Allele origin: germline.

Genome-Nilou Lab
Classification: Benign for Tuberous sclerosis 2. Last evaluated: 2021-11-07. Review status: criteria provided, single submitter. Criteria: ACMG Guidelines, 2015. Collection method: clinical testing. Allele origin: germline. Affected: no.

Ambry Genetics
Classification: Likely benign for Hereditary cancer-predisposing syndrome. Last evaluated: 2021-03-06. Review status: criteria provided, single submitter. Criteria: Ambry Variant Classification Scheme 2023. Collection method: clinical testing. Allele origin: germline.

CeGaT Center for Human Genetics Tuebingen
Classification: Likely benign. Last evaluated: 2021-03-01. Review status: criteria provided, single submitter. Criteria: CeGaT Center For Human Genetics Tuebingen Variant Classification Criteria Version 2. Collection method: clinical testing. Allele origin: germline. Affected: yes. Observed: 1 variant allele.